The following is an entry in ClinVar:

NM_006978.3(RNF113A):c.441GGA[1] (p.Glu148del)

Gene: RNF113A (ring finger protein 113A; minus strand). Cytogenetic location: Xq24.
Variant type: Microsatellite.
Coding change: c.441GGA[1] on transcript NM_006978.3 (MANE Select); one copy of the 3-base unit GGA starting at c.441; the reference has two copies in a row; one copy, 3 bases deleted.
Protein change: p.Glu148del; deletes glutamic acid 148.
Molecular consequence: inframe deletion.
Genome position (GRCh38, 1-based): chrX:119,871,168-119,871,170, TCC deleted on the plus strand (GGA on the coding strand, the reverse complement: RNF113A is on the minus strand); deleting any 3 consecutive bases within chrX:119,871,168-119,871,174 gives the same sequence; the position shown is the placement nearest the transcript's 3' end. VCF-style (leftmost placement, unchanged base first): chrX-119871167-ATCC-A. GRCh37 (hg19) VCF-style: chrX-119005130-ATCC-A.
Other names: short protein forms E148del.
Identifiers: ClinVar variation 2126035 (VCV002126035.4), dbSNP rs2521608165, ClinGen allele CA2580612466.
Genomic context (GRCh38, chrX:119,871,167, plus strand): 5'-AGACGTATCCTTGGGCTTCATGTATTTCTGATAATTGTTGATTCCCCGATAGATCTTGTC[ATCC>A]TCCTTGCCCCTCAGCTCCTCCTGGATCTTCTGGCTGCGCTCAAAGATGGCTTGTGCATCG-3'

ClinVar aggregate classification (germline): Uncertain significance (1 of 4 stars; one submission).

Submission:

Labcorp Genetics (formerly Invitae), Labcorp
Classification: Uncertain significance. Last evaluated: 2023-07-07. Review status: criteria provided, single submitter. Criteria: Invitae Variant Classification Sherloc (09022015). Collection method: clinical testing. Allele origin: germline.
Comment: In summary, the available evidence is currently insufficient to determine the role of this variant in disease. Therefore, it has been classified as a Variant of Uncertain Significance. Experimental studies and prediction algorithms are not available or were not evaluated, and the functional significance of this variant is currently unknown. This variant has not been reported in the literature in individuals affected with RNF113A-related conditions. This variant is not present in population databases (gnomAD no frequency). This variant, c.444_446del, results in the deletion of 1 amino acid(s) of the RNF113A protein (p.Glu148del), but otherwise preserves the integrity of the reading frame.